The following is an entry in ClinVar:

NM_001081550.2(THOC2):c.1061A>G (p.Lys354Arg)

Gene: THOC2 (THO complex subunit 2; minus strand). Cytogenetic location: Xq25.
Variant type: single nucleotide variant.
Coding change: c.1061A>G on transcript NM_001081550.2 (MANE Select); coding-DNA position 1061, A replaced by G.
Protein change: p.Lys354Arg; replaces lysine 354 with arginine.
Molecular consequence: missense variant.
Genome position (GRCh38, 1-based): chrX:123,667,235, T>C on the plus strand (A>G on the coding strand, the complement: THOC2 is on the minus strand). VCF-style: chrX-123667235-T-C. GRCh37 (hg19) VCF-style: chrX-122801086-T-C.
Other names: short protein forms K354R.
Identifiers: ClinVar variation 1302165 (VCV001302165.2), dbSNP rs2147803478, ClinGen allele CA414270733.
Genomic context (GRCh38, chrX:123,667,235, plus strand): 5'-GCTGCATAGTATGGAGGCATCTGATCCATAATGTTCTGTGCATGTTGCCAATCACCAATC[T>C]TTAATAAGGCTTCCAACAAGCCAAGTTTTTGGTTATCAGGTGGCTAAAAATGAATAGTCA-3'
Protein context (NP_001075019.1, residues 344-364): QKLGLLEALL[Lys354Arg]IGDWQHAQNI

ClinVar aggregate classification (germline): Uncertain significance (1 of 4 stars; one submission).

Submission:

GeneDx
Classification: Uncertain significance. Last evaluated: 2019-06-19. Review status: criteria provided, single submitter. Criteria: GeneDx Variant Classification Process June 2021. Collection method: clinical testing. Allele origin: germline. Affected: yes.
Comment: Not observed in large population cohorts (Lek et al., 2016); In silico analysis, which includes protein predictors and evolutionary conservation, supports that this variant does not alter protein structure/function; Has not been previously published as pathogenic or benign to our knowledge